The following is an entry in ClinVar:

ClinVar aggregate classification (germline): Uncertain significance. Review status: criteria provided, multiple submitters, no conflicts (2 of 4 stars). 3 submissions from 3 submitters: Uncertain significance (3). Last evaluated 2026-04-23.

Conditions:
Inborn genetic diseases. Identifiers: MedGen C0950123, MeSH D030342.

Allele frequency attached by ClinVar (database versions not stated): gnomAD exomes below 0.00001.

Submissions (3):

Ambry Genetics
Classification: Uncertain significance for Inborn genetic diseases. Last evaluated: 2026-04-23. Review status: criteria provided, single submitter. Criteria: Ambry Variant Classification Scheme 2023. Collection method: clinical testing. Allele origin: germline.
Comment: The p.P141S variant (also known as c.421C>T), located in coding exon 5 of the DDX41 gene, results from a C to T substitution at nucleotide position 421. The proline at codon 141 is replaced by serine, an amino acid with similar properties. This amino acid position is highly conserved in available vertebrate species. In addition, this alteration is predicted to be tolerated by in silico analysis. Based on the available evidence, the clinical significance of this variant remains unclear.

Labcorp Genetics (formerly Invitae), Labcorp
Classification: Uncertain significance. Last evaluated: 2025-11-11. Review status: criteria provided, single submitter. Criteria: Invitae Variant Classification Sherloc (09022015). Collection method: clinical testing. Allele origin: germline.
Comment: This sequence change replaces proline, which is neutral and non-polar, with serine, which is neutral and polar, at codon 141 of the DDX41 protein (p.Pro141Ser). This variant is not present in population databases (gnomAD no frequency). This variant has not been reported in the literature in individuals affected with DDX41-related conditions. ClinVar contains an entry for this variant (Variation ID: 2500493). An algorithm developed to predict the effect of missense changes on protein structure and function (PolyPhen-2) suggests that this variant is likely to be tolerated. In summary, the available evidence is currently insufficient to determine the role of this variant in disease. Therefore, it has been classified as a Variant of Uncertain Significance.

GeneDx
Classification: Uncertain significance. Last evaluated: 2022-10-28. Review status: criteria provided, single submitter. Criteria: GeneDx Variant Classification Process June 2021. Collection method: clinical testing. Allele origin: germline. Affected: yes.
Comment: Not observed at significant frequency in large population cohorts (gnomAD); In silico analysis supports that this missense variant has a deleterious effect on protein structure/function; Has not been previously published as pathogenic or benign to our knowledge

NM_016222.4(DDX41):c.421C>T (p.Pro141Ser)

Gene: DDX41 (DEAD-box helicase 41; minus strand). Cytogenetic location: 5q35.3.
Variant type: single nucleotide variant.
Coding change: c.421C>T on transcript NM_016222.4 (MANE Select); coding-DNA position 421, C replaced by T.
Protein change: p.Pro141Ser; replaces proline 141 with serine.
Molecular consequence: missense variant.
Genome position (GRCh38, 1-based): chr5:177,515,942, G>A on the plus strand (C>T on the coding strand, the complement: DDX41 is on the minus strand). VCF-style: chr5-177515942-G-A. GRCh37 (hg19) VCF-style: chr5-176942943-G-A.
Other names: c.43C>T, p.Pro15Ser (NM_001321732.2, NM_001321830.2); short protein forms P141S, P15S.
Identifiers: ClinVar variation 2500493 (VCV002500493.4), dbSNP rs1761207822, ClinGen allele CA362376310.